The following is an entry in ClinVar:

NM_001040142.2(SCN2A):c.100G>T (p.Ala34Ser)

Gene: SCN2A (sodium voltage-gated channel alpha subunit 2; plus strand). Cytogenetic location: 2q24.3.
Variant type: single nucleotide variant.
Coding change: c.100G>T on transcript NM_001040142.2 (MANE Select); coding-DNA position 100, G replaced by T.
Protein change: p.Ala34Ser; replaces alanine 34 with serine.
Molecular consequence: missense variant.
Genome position (GRCh38, 1-based): chr2:165,295,923, G>T. VCF-style: chr2-165295923-G-T. GRCh37 (hg19) VCF-style: chr2-166152433-G-T.
Other names: c.100G>T, p.Ala34Ser (NM_001040143.2, NM_001371246.1, NM_001371247.1 and 1 more transcripts); short protein forms A34S.
Identifiers: ClinVar variation 4537774 (VCV004537774.1).
Genomic context (GRCh38, chr2:165,295,923, plus strand): 5'-TTCCGCTTCTTTACCAGGGAATCCCTTGCTGCTATTGAACAACGCATTGCAGAAGAGAAA[G>T]CTAAGAGACCCAAACAGGAACGCAAGGATGAGGATGATGAAAATGGCCCAAAGCCAAACA-3'
Protein context (NP_001035232.1, residues 24-44): AIEQRIAEEK[Ala34Ser]KRPKQERKDE

ClinVar aggregate classification (germline): Uncertain significance (1 of 4 stars; one submission).

Submission:

GeneDx
Classification: Uncertain significance. Last evaluated: 2025-06-12. Review status: criteria provided, single submitter. Criteria: GeneDx Variant Classification Process June 2021. Collection method: clinical testing. Allele origin: germline. Affected: yes.
Comment: Not observed at significant frequency in large population cohorts (gnomAD); In silico analysis suggests that this missense variant does not alter protein structure/function; Has not been previously published as pathogenic or benign to our knowledge